The following is an entry in ClinVar:

NM_000222.3(KIT):c.504G>A (p.Ala168=)

Gene: KIT (KIT proto-oncogene, receptor tyrosine kinase; plus strand). Cytogenetic location: 4q12.
Variant type: single nucleotide variant.
Coding change: c.504G>A on transcript NM_000222.3 (MANE Select); coding-DNA position 504, G replaced by A.
Protein change: p.Ala168=; no amino-acid change (alanine 168 retained).
Molecular consequence: synonymous variant.
Genome position (GRCh38, 1-based): chr4:54,698,450, G>A. VCF-style: chr4-54698450-G-A. GRCh37 (hg19) VCF-style: chr4-55564616-G-A.
Other names: c.504G>A, p.Ala168= (NM_001093772.2, NM_001385284.1, NM_001385285.1 and 4 more transcripts).
Identifiers: ClinVar variation 237278 (VCV000237278.46), dbSNP rs140469176, ClinGen allele CA2923255.

ClinVar aggregate classification (germline): Benign/Likely benign. Review status: criteria provided, multiple submitters, no conflicts (2 of 4 stars). 8 submissions from 8 submitters: Benign (1); Likely benign (6). 1 of the submissions does not count toward it. Last evaluated 2026-08-01.

Conditions:
KIT-related disorder. Also called: KIT-related condition.
Hereditary cancer-predisposing syndrome. Also called: Hereditary neoplastic syndrome; Hereditary Cancer Syndrome; Neoplastic Syndromes, Hereditary; Tumor predisposition. Identifiers: Orphanet 140162, MedGen C0027672, MeSH D009386, MONDO:0015356.
Gastrointestinal stromal tumor. Also called: Gastrointestinal stroma tumor; Gastrointestinal stromal tumor, somatic. Identifiers: Orphanet 44890, MedGen C0238198, MeSH D046152, MONDO:0011719, OMIM 606764, HP:0100723.

Allele frequency attached by ClinVar (database versions not stated): TOPMed 0.00026; gnomAD 0.00028 and 0.00029; ESP Exome Variant Server 0.00046; ExAC 0.00013; 1000 Genomes Project 30x 0.00016; gnomAD exomes 0.00018; 1000 Genomes Project 0.00020.
gnomAD v4.1: 655 of 1,614,140 alleles (0.041%); highest among the groups gnomAD compares: Non-Finnish European, 0.051%; no homozygotes.

Submissions (8):

CeGaT Center for Human Genetics Tuebingen
Classification: Likely benign. Last evaluated: 2026-08-01. Review status: criteria provided, single submitter. Criteria: CeGaT Center For Human Genetics Tuebingen Variant Classification Criteria Version 2. Collection method: clinical testing. Allele origin: germline. Affected: yes. Observed: 5 variant alleles.
Comment: KIT: BP4, BP7

Myriad Genetics, Inc.
Classification: Benign for Gastrointestinal stromal tumor. Last evaluated: 2026-06-03. Review status: criteria provided, single submitter. Criteria: Myriad Autosomal Dominant, Autosomal Recessive and X-Linked Classification Criteria (2023). Collection method: clinical testing. Allele origin: unknown.
Comment: This variant is considered benign. This variant is a silent/synonymous amino acid change and it is not expected to impact splicing.

Labcorp Genetics (formerly Invitae), Labcorp
Classification: Likely benign for Gastrointestinal stromal tumor. Last evaluated: 2026-01-21. Review status: criteria provided, single submitter. Criteria: Invitae Variant Classification Sherloc (09022015). Collection method: clinical testing. Allele origin: germline.

Blueprint Genetics
Classification: Likely benign. Last evaluated: 2024-07-29. Review status: criteria provided, single submitter. Criteria: ACMG Guidelines, 2015. Collection method: clinical testing. Allele origin: germline.

Genetic Services Laboratory, University of Chicago
Classification: Likely benign. Last evaluated: 2021-08-11. Review status: criteria provided, single submitter. Criteria: ACMG Guidelines, 2015. Collection method: clinical testing. Allele origin: germline. Affected: no.

Sema4
Classification: Likely benign for Hereditary cancer-predisposing syndrome. Last evaluated: 2021-06-13. Review status: criteria provided, single submitter. Criteria: Sema4 Curation Guidelines. Collection method: curation. Allele origin: germline.

Ambry Genetics
Classification: Likely benign for Hereditary cancer-predisposing syndrome. Last evaluated: 2018-11-09. Review status: criteria provided, single submitter. Criteria: Ambry Variant Classification Scheme 2023. Collection method: clinical testing. Allele origin: germline.

PreventionGenetics, part of Exact Sciences
Classification: Likely benign for KIT-related condition. Last evaluated: 2021-08-03. Review status: no assertion criteria provided. Collection method: clinical testing. Allele origin: germline. Not counted in ClinVar's aggregate classification.
Comment: This variant is classified as likely benign based on ACMG/AMP sequence variant interpretation guidelines (Richards et al. 2015 PMID: 25741868, with internal and published modifications).